The following is an entry in ClinVar:

NM_000539.3(RHO):c.103T>C (p.Trp35Arg)

Gene: RHO (rhodopsin; plus strand). Cytogenetic location: 3q22.1.
Variant type: single nucleotide variant.
Coding change: c.103T>C on transcript NM_000539.3 (MANE Select); coding-DNA position 103, T replaced by C.
Protein change: p.Trp35Arg; replaces tryptophan 35 with arginine.
Molecular consequence: missense variant.
Genome position (GRCh38, 1-based): chr3:129,528,836, T>C. VCF-style: chr3-129528836-T-C. GRCh37 (hg19) VCF-style: chr3-129247679-T-C.
Other names: short protein forms W35R.
Identifiers: ClinVar variation 1441749 (VCV001441749.8), dbSNP rs1259844494, ClinGen allele CA354495726.

ClinVar aggregate classification (germline): Uncertain significance (1 of 4 stars; one submission).

Allele frequency attached by ClinVar (database versions not stated): gnomAD exomes below 0.00001 and 0.00001; TOPMed 0.00001; gnomAD 0.00002.
gnomAD v4.1: 12 of 1,614,140 alleles (0.00074%); highest among the groups gnomAD compares: African/African-American, 0.0053%; no homozygotes.

Submission:

Labcorp Genetics (formerly Invitae), Labcorp
Classification: Uncertain significance. Last evaluated: 2024-12-02. Review status: criteria provided, single submitter. Criteria: Invitae Variant Classification Sherloc (09022015). Collection method: clinical testing. Allele origin: germline.
Comment: This sequence change replaces tryptophan, which is neutral and slightly polar, with arginine, which is basic and polar, at codon 35 of the RHO protein (p.Trp35Arg). This variant is present in population databases (no rsID available, gnomAD 0.01%). This variant has not been reported in the literature in individuals affected with RHO-related conditions. ClinVar contains an entry for this variant (Variation ID: 1441749). Invitae Evidence Modeling of protein sequence and biophysical properties (such as structural, functional, and spatial information, amino acid conservation, physicochemical variation, residue mobility, and thermodynamic stability) has been performed for this missense variant. However, the output from this modeling did not meet the statistical confidence thresholds required to predict the impact of this variant on RHO protein function. In summary, the available evidence is currently insufficient to determine the role of this variant in disease. Therefore, it has been classified as a Variant of Uncertain Significance.